The following is an entry in ClinVar:

NM_001080508.3(TBX18):c.805C>T (p.Arg269Ter)

Gene: TBX18 (T-box transcription factor 18; minus strand). Cytogenetic location: 6q14.3.
Variant type: single nucleotide variant.
Coding change: c.805C>T on transcript NM_001080508.3 (MANE Select); coding-DNA position 805, C replaced by T.
Protein change: p.Arg269Ter; replaces arginine 269 with a stop codon.
Molecular consequence: nonsense.
Genome position (GRCh38, 1-based): chr6:84,748,054, G>A on the plus strand (C>T on the coding strand, the complement: TBX18 is on the minus strand). VCF-style: chr6-84748054-G-A. GRCh37 (hg19) VCF-style: chr6-85457772-G-A.
Other names: short protein forms R269*.
Identifiers: ClinVar variation 3628031 (VCV003628031.2).

ClinVar aggregate classification (germline): Uncertain significance (1 of 4 stars; one submission).

gnomAD v4.1: 1 of 1,612,536 alleles (0.000062%); highest among the groups gnomAD compares: Non-Finnish European, 0.000085%; no homozygotes.

Submission:

Labcorp Genetics (formerly Invitae), Labcorp
Classification: Uncertain significance. Last evaluated: 2024-08-02. Review status: criteria provided, single submitter. Criteria: Invitae Variant Classification Sherloc (09022015). Collection method: clinical testing. Allele origin: germline.
Comment: This sequence change creates a premature translational stop signal (p.Arg269*) in the TBX18 gene. It is expected to result in an absent or disrupted protein product. However, the current clinical and genetic evidence is not sufficient to establish whether loss-of-function variants in TBX18 cause disease. This variant is not present in population databases (gnomAD no frequency). This variant has not been reported in the literature in individuals affected with TBX18-related conditions. In summary, the available evidence is currently insufficient to determine the role of this variant in disease. Therefore, it has been classified as a Variant of Uncertain Significance.